The following is an entry in ClinVar:

ClinVar aggregate classification (germline): Uncertain significance (1 of 4 stars; one submission).

Submission:

Ambry Genetics
Classification: Uncertain significance. Last evaluated: 2023-10-15. Review status: criteria provided, single submitter. Criteria: Ambry Variant Classification Scheme 2023. Collection method: clinical testing. Allele origin: germline.
Comment: The p.A874S variant (also known as c.2620G>T), located in coding exon 1 of the MLH3 gene, results from a G to T substitution at nucleotide position 2620. The alanine at codon 874 is replaced by serine, an amino acid with similar properties. This amino acid position is conserved. In addition, the in silico prediction for this alteration is inconclusive. Since supporting evidence is limited at this time, the clinical significance of this alteration remains unclear.

NM_001040108.2(MLH3):c.2620G>T (p.Ala874Ser)

Gene: MLH3 (mutL homolog 3; minus strand). Cytogenetic location: 14q24.3.
Variant type: single nucleotide variant.
Coding change: c.2620G>T on transcript NM_001040108.2 (MANE Select); coding-DNA position 2620, G replaced by T.
Protein change: p.Ala874Ser; replaces alanine 874 with serine.
Molecular consequence: missense variant.
Genome position (GRCh38, 1-based): chr14:75,047,036, C>A on the plus strand (G>T on the coding strand, the complement: MLH3 is on the minus strand). VCF-style: chr14-75047036-C-A. GRCh37 (hg19) VCF-style: chr14-75513739-C-A.
Other names: c.2620G>T, p.Ala874Ser (NM_014381.3); short protein forms A874S.
Identifiers: ClinVar variation 3232496 (VCV003232496.1), dbSNP rs2503265554, ClinGen allele CA390439405.